The following is an entry in ClinVar:

NC_000023.11:g.(?_31729611)_(31932247_?)del

Genes: DMD (dystrophin; minus strand), LOC129391296 (MPRA-validated peak7373 silencer; plus strand). Cytogenetic location: Xp21.1.
Variant type: Deletion.
Identifiers: ClinVar variation 583700 (VCV000583700.2).

ClinVar aggregate classification (germline): Pathogenic (1 of 4 stars; one submission).

Conditions:
Duchenne muscular dystrophy (DMD). Also called: MUSCULAR DYSTROPHY, PSEUDOHYPERTROPHIC PROGRESSIVE, DUCHENNE TYPE; Duchenne Muscular Dystrophy (DMD). Identifiers: Orphanet 98896, MedGen C0013264, MONDO:0010679, OMIM 310200.

Submission:

Labcorp Genetics (formerly Invitae), Labcorp
Classification: Pathogenic for Duchenne muscular dystrophy. Last evaluated: 2021-09-21. Review status: criteria provided, single submitter. Criteria: Invitae Variant Classification Sherloc (09022015). Collection method: clinical testing. Allele origin: germline.
Comment: This variant is a gross deletion of the genomic region encompassing exon(s) 46-52 of the DMD gene. This deletion is out-of-frame, and is expected to create a premature termination codon and result in an absent or disrupted protein product. Loss-of-function variants in DMD are known to be pathogenic (PMID: 16770791, 25007885). A similar copy number variant has been observed in individual(s) with Duchenne muscular dystrophy (PMID: 9007319, 12754415). In at least one individual the variant was observed to be de novo. For these reasons, this variant has been classified as Pathogenic.

Literature cited by the submitters: PubMed 16770791; PubMed 25007885; PubMed 9007319; PubMed 12754415.